The following is an entry in ClinVar:

ClinVar aggregate classification (germline): Pathogenic (1 of 4 stars; one submission).

Conditions:
Neonatal encephalomyopathy-cardiomyopathy-respiratory distress syndrome. Also called: Coenzyme Q10 deficiency, primary, 7. Identifiers: Orphanet 457185, MedGen C5568562, MONDO:0014562, OMIM 616276.

Submission:

Labcorp Genetics (formerly Invitae), Labcorp
Classification: Pathogenic for Neonatal encephalomyopathy-cardiomyopathy-respiratory distress syndrome. Last evaluated: 2023-11-18. Review status: criteria provided, single submitter. Criteria: Invitae Variant Classification Sherloc (09022015). Collection method: clinical testing. Allele origin: germline.
Comment: This sequence change creates a premature translational stop signal (p.Pro7Cysfs*23) in the COQ4 gene. It is expected to result in an absent or disrupted protein product. Loss-of-function variants in COQ4 are known to be pathogenic (PMID: 25658047). This variant is not present in population databases (gnomAD no frequency). This variant has not been reported in the literature in individuals affected with COQ4-related conditions. ClinVar contains an entry for this variant (Variation ID: 1455564). For these reasons, this variant has been classified as Pathogenic.

Literature cited by the submitters: PubMed 25658047.

NM_016035.5(COQ4):c.19_20del (p.Pro7fs)

Gene: COQ4 (coenzyme Q4; plus strand). Cytogenetic location: 9q34.11.
Variant type: Deletion.
Coding change: c.19_20del on transcript NM_016035.5 (MANE Select); coding-DNA positions 19 to 20, 2 bases deleted (CC; older notation c.19_20delCC).
Protein change: p.Pro7fs; shifts the reading frame from proline 7.
Molecular consequence: frameshift variant.
Genome position (GRCh38, 1-based): chr9:128,322,877-128,322,878, CC deleted; deleting any 2 consecutive bases within chr9:128,322,876-128,322,878 gives the same sequence; the c. name uses the placement nearest the transcript's 3' end. VCF-style (leftmost placement, unchanged base first): chr9-128322875-GCC-G. GRCh37 (hg19) VCF-style: chr9-131085154-GCC-G.
Other names: c.19_20del, p.Pro7fs (NM_001305942.2); short protein forms P7fs.
Identifiers: ClinVar variation 1455564 (VCV001455564.6), dbSNP rs909428117, ClinGen allele CA200333187.